The following is an entry in ClinVar:

NM_001135022.2(ELMOD3):c.907C>T (p.Arg303Trp)

Gene: ELMOD3 (ELMO domain containing 3; plus strand). Cytogenetic location: 2p11.2.
Variant type: single nucleotide variant.
Coding change: c.907C>T on transcript NM_001135022.2 (MANE Select); coding-DNA position 907, C replaced by T.
Protein change: p.Arg303Trp; replaces arginine 303 with tryptophan.
Molecular consequence: missense variant. On other transcripts: non-coding transcript variant (3).
Genome position (GRCh38, 1-based): chr2:85,390,229, C>T. VCF-style: chr2-85390229-C-T. GRCh37 (hg19) VCF-style: chr2-85617352-C-T.
Other names: c.907C>T, p.Arg303Trp (NM_001135021.2, NM_001135023.2, NM_001329791.2 and 2 more transcripts); short protein forms R303W.
Identifiers: ClinVar variation 1387561 (VCV001387561.6), dbSNP rs760213745, ClinGen allele CA1740541.
Genomic context (GRCh38, chr2:85,390,229, plus strand): 5'-GTGGTGAACAGCTTCTATGCCGCCACATTCCTCCACCTCGCACATGTCTGGAGGACACAG[C>T]GGAAGACCATCTCAGACTCGGGCTTTGTCCTCAAAGGTGTGCTCTTTCTTCTGGGGAGGC-3'
Protein context (NP_001128494.1, residues 293-313): LHLAHVWRTQ[Arg303Trp]KTISDSGFVL

ClinVar aggregate classification (germline): Uncertain significance (1 of 4 stars; one submission).

Allele frequency attached by ClinVar (database versions not stated): TOPMed below 0.00001; gnomAD 0.00001; ExAC 0.00002.
gnomAD v4.1: 36 of 1,614,028 alleles (0.0022%); highest among the groups gnomAD compares: East Asian, 0.0045%; no homozygotes.

Submission:

Labcorp Genetics (formerly Invitae), Labcorp
Classification: Uncertain significance. Last evaluated: 2024-06-17. Review status: criteria provided, single submitter. Criteria: Invitae Variant Classification Sherloc (09022015). Collection method: clinical testing. Allele origin: germline.
Comment: This sequence change replaces arginine, which is basic and polar, with tryptophan, which is neutral and slightly polar, at codon 303 of the ELMOD3 protein (p.Arg303Trp). This variant is present in population databases (rs760213745, gnomAD 0.01%). This variant has not been reported in the literature in individuals affected with ELMOD3-related conditions. ClinVar contains an entry for this variant (Variation ID: 1387561). Advanced modeling of protein sequence and biophysical properties (such as structural, functional, and spatial information, amino acid conservation, physicochemical variation, residue mobility, and thermodynamic stability) performed at Invitae indicates that this missense variant is not expected to disrupt ELMOD3 protein function with a negative predictive value of 80%. In summary, the available evidence is currently insufficient to determine the role of this variant in disease. Therefore, it has been classified as a Variant of Uncertain Significance.